The following is an entry in ClinVar:

ClinVar aggregate classification (germline): Uncertain significance. Review status: criteria provided, multiple submitters, no conflicts (2 of 4 stars). 2 submissions from 2 submitters: Uncertain significance (2). Last evaluated 2025-12-02.

Allele frequency attached by ClinVar (database versions not stated): ExAC 0.00001; gnomAD exomes 0.00001; gnomAD 0.00002; TOPMed 0.00002.
gnomAD v4.1: 15 of 1,613,888 alleles (0.00093%); highest among the groups gnomAD compares: Non-Finnish European, 0.0011%; no homozygotes.

Submissions (2):

Ambry Genetics
Classification: Uncertain significance. Last evaluated: 2025-12-02. Review status: criteria provided, single submitter. Criteria: Ambry Variant Classification Scheme 2023. Collection method: clinical testing. Allele origin: germline.

Labcorp Genetics (formerly Invitae), Labcorp
Classification: Uncertain significance. Last evaluated: 2022-01-28. Review status: criteria provided, single submitter. Criteria: Invitae Variant Classification Sherloc (09022015). Collection method: clinical testing. Allele origin: germline.
Comment: In summary, the available evidence is currently insufficient to determine the role of this variant in disease. Therefore, it has been classified as a Variant of Uncertain Significance. Algorithms developed to predict the effect of missense changes on protein structure and function are either unavailable or do not agree on the potential impact of this missense change (SIFT: "Deleterious"; PolyPhen-2: "Possibly Damaging"; Align-GVGD: "Class C0"). This variant has not been reported in the literature in individuals affected with KANK1-related conditions. This variant is present in population databases (rs754487560, gnomAD 0.002%). This sequence change replaces isoleucine, which is neutral and non-polar, with asparagine, which is neutral and polar, at codon 1079 of the KANK1 protein (p.Ile1079Asn).

NM_015158.5(KANK1):c.3236T>A (p.Ile1079Asn)

Gene: KANK1 (KN motif and ankyrin repeat domains 1; plus strand). Cytogenetic location: 9p24.3.
Variant type: single nucleotide variant.
Coding change: c.3236T>A on transcript NM_015158.5 (MANE Select); coding-DNA position 3236, T replaced by A.
Protein change: p.Ile1079Asn; replaces isoleucine 1079 with asparagine.
Molecular consequence: missense variant. On other transcripts: intron variant (5).
Genome position (GRCh38, 1-based): chr9:732,608, T>A. VCF-style: chr9-732608-T-A. GRCh37 (hg19) VCF-style: chr9-732608-T-A.
Other names: c.3236T>A (NM_015158.2); c.3236T>A, p.Ile1079Asn (NM_001256876.3, NM_001256877.3, NM_001354334.2); c.3182T>A, p.Ile1061Asn (NM_001354332.2); c.2762T>A, p.Ile921Asn (NM_001354333.2, NM_001354335.2, NM_001354337.2 and 2 more transcripts); c.2708T>A, p.Ile903Asn (NM_001354338.2, NM_001354340.2, NM_001354344.2); c.3005+1342T>A (NM_001354331.2); c.2477+1342T>A (NM_001354336.2); c.2531+1342T>A (NM_001354339.2, NM_001354343.2, NM_001354342.2); short protein forms I1061N, I921N, I903N, I1079N.
Identifiers: ClinVar variation 1990366 (VCV001990366.5), dbSNP rs754487560, ClinGen allele CA4960812.